The following is an entry in ClinVar:

ClinVar aggregate classification (germline): Pathogenic (1 of 4 stars; one submission).

Conditions:
Autosomal recessive limb-girdle muscular dystrophy type 2D (LGMDR3). Also called: DUCHENNE-LIKE AUTOSOMAL RECESSIVE MUSCULAR DYSTROPHY, TYPE 2; MUSCULAR DYSTROPHY, LIMB-GIRDLE, AUTOSOMAL RECESSIVE 3; ADHALINOPATHY, PRIMARY. Identifiers: Orphanet 62, MedGen C2936332, MONDO:0011968, OMIM 608099. Disease mechanism: Affects gamma-sarcoglycan and also disrupts the integrity of the entire sarcoglycan complex..

Submission:

Labcorp Genetics (formerly Invitae), Labcorp
Classification: Pathogenic for Autosomal recessive limb-girdle muscular dystrophy type 2D. Last evaluated: 2020-09-16. Review status: criteria provided, single submitter. Criteria: Invitae Variant Classification Sherloc (09022015). Collection method: clinical testing. Allele origin: germline.
Comment: This variant results in the deletion of exons 1-2 and part of exon 3 (c.-261_245del) of the SGCA gene. This is expected to result in an absent or disrupted protein product. This variant has been observed in individual(s) with clinical features of muscular dystrophy (Invitae). Loss-of-function variants in SGCA are known to be pathogenic (PMID: 9192266). For these reasons, this variant has been classified as Pathogenic.

Literature cited by the submitters: PubMed 9192266.

NC_000017.10:g.(?_48243138)_48245027del

Gene: SGCA (sarcoglycan alpha; plus strand).
Variant type: Deletion.
Identifiers: ClinVar variation 1068994 (VCV001068994.2).